The following is an entry in ClinVar:

ClinVar aggregate classification (germline): Uncertain significance. Review status: criteria provided, multiple submitters, no conflicts (2 of 4 stars). 2 submissions from 2 submitters: Uncertain significance (2). Last evaluated 2025-01-15.

Conditions:
Cardiovascular phenotype. Identifiers: MedGen CN230736.
DiGeorge syndrome. Also called: THIRD AND FOURTH PHARYNGEAL POUCH SYNDROME; Catch22. Identifiers: Orphanet 567, MedGen C0012236, MONDO:0008564, OMIM 188400.

Allele frequency attached by ClinVar (database versions not stated): gnomAD exomes below 0.00001.
gnomAD v4.1: 1 of 987,266 alleles (0.0001%); highest among the groups gnomAD compares: Non-Finnish European, 0.00012%; no homozygotes.

Submissions (2):

Labcorp Genetics (formerly Invitae), Labcorp
Classification: Uncertain significance for DiGeorge syndrome. Last evaluated: 2025-01-15. Review status: criteria provided, single submitter. Criteria: Invitae Variant Classification Sherloc (09022015). Collection method: clinical testing. Allele origin: germline.
Comment: This sequence change replaces serine, which is neutral and polar, with proline, which is neutral and non-polar, at codon 32 of the TBX1 protein (p.Ser32Pro). The frequency data for this variant in the population databases is considered unreliable, as metrics indicate insufficient coverage at this position in the gnomAD database. This variant has not been reported in the literature in individuals affected with TBX1-related conditions. ClinVar contains an entry for this variant (Variation ID: 1767184). Experimental studies and prediction algorithms are not available or were not evaluated, and the functional significance of this variant is currently unknown. In summary, the available evidence is currently insufficient to determine the role of this variant in disease. Therefore, it has been classified as a Variant of Uncertain Significance.

Ambry Genetics
Classification: Uncertain significance for Cardiovascular phenotype. Last evaluated: 2022-07-11. Review status: criteria provided, single submitter. Criteria: Ambry Variant Classification Scheme 2023. Collection method: clinical testing. Allele origin: germline.
Comment: The p.S32P variant (also known as c.94T>C), located in coding exon 2 of the TBX1 gene, results from a T to C substitution at nucleotide position 94. The serine at codon 32 is replaced by proline, an amino acid with similar properties. This amino acid position is conserved. In addition, this alteration is predicted to be tolerated by in silico analysis. Since supporting evidence is limited at this time, the clinical significance of this alteration remains unclear.

NM_001379200.1(TBX1):c.121T>C (p.Ser41Pro)

Gene: TBX1 (T-box transcription factor 1; plus strand). Cytogenetic location: 22q11.21.
Variant type: single nucleotide variant.
Coding change: c.121T>C on transcript NM_001379200.1 (MANE Select); coding-DNA position 121, T replaced by C.
Protein change: p.Ser41Pro; replaces serine 41 with proline.
Molecular consequence: missense variant.
Genome position (GRCh38, 1-based): chr22:19,760,964, T>C. VCF-style: chr22-19760964-T-C. GRCh37 (hg19) VCF-style: chr22-19748487-T-C.
Other names: c.94T>C, p.Ser32Pro (NM_005992.1, NM_080646.2, NM_080647.1); short protein forms S32P, S41P.
Identifiers: ClinVar variation 1767184 (VCV001767184.4), dbSNP rs1936637225, ClinGen allele CA410681193.
Genomic context (GRCh38, chr22:19,760,964, plus strand): 5'-GCCTTCACGGCCAGCAGCCTGAGCAGCCTGGGGGCCGCGGGGGGCTTCCCGGGCGCCGCG[T>C]CGCCCGGCGCCGACCCGTACGGCCCGCGCGAGCCCCCGCCGCCGCCGCCGCGCTACGACC-3'
Protein context (NP_001366129.1, residues 31-51): GAAGGFPGAA[Ser41Pro]PGADPYGPRE